The following is an entry in ClinVar:

ClinVar aggregate classification (germline): Conflicting classifications of pathogenicity. Review status: criteria provided, conflicting classifications (1 of 4 stars). 2 submissions from 2 submitters: Uncertain significance (1); Likely benign (1). Last evaluated 2023-10-09.

Conditions:
Familial thoracic aortic aneurysm and aortic dissection (TAAD). Also called: Thoracic aortic aneurysms and dissections. Identifiers: Orphanet 91387, MedGen C4707243, MONDO:0019625.

Submissions (2):

Color Diagnostics, LLC DBA Color Health
Classification: Uncertain significance for Familial thoracic aortic aneurysm and aortic dissection. Last evaluated: 2023-10-09. Review status: criteria provided, single submitter. Criteria: ACMG Guidelines, 2015. Collection method: clinical testing. Allele origin: germline.
Comment: This variant deletes one nucleotide in intron 5 of the SMAD3 gene. To our knowledge, functional studies have not been reported for this variant. This variant has not been reported in individuals affected with SMAD3-related disorders in the literature. This variant has not been identified in the general population by the Genome Aggregation Database (gnomAD). The available evidence is insufficient to determine the role of this variant in disease conclusively. Therefore, this variant is classified as a Variant of Uncertain Significance.

Labcorp Genetics (formerly Invitae), Labcorp
Classification: Likely benign for Familial thoracic aortic aneurysm and aortic dissection. Last evaluated: 2023-05-31. Review status: criteria provided, single submitter. Criteria: Invitae Variant Classification Sherloc (09022015). Collection method: clinical testing. Allele origin: germline.

NM_005902.4(SMAD3):c.659-12del

Gene: SMAD3 (SMAD family member 3; plus strand). Cytogenetic location: 15q22.33.
Variant type: Deletion.
Coding change: c.659-12del on transcript NM_005902.4 (MANE Select); 12 bases into the intron before coding-DNA position 659, one base deleted (C; older notation c.659-12delC).
Molecular consequence: intron variant.
Genome position (GRCh38, 1-based): chr15:67,181,229, C deleted; the last of 3 consecutive C bases (chr15:67,181,227-67,181,229); deleting any one gives the same sequence. VCF-style (leftmost placement, unchanged base first): chr15-67181226-AC-A. GRCh37 (hg19) VCF-style: chr15-67473564-AC-A.
Other names: c.659-12del (NM_001407011.1, NM_001407013.1); c.527-12del (NM_001407012.1, NM_001145103.2); c.512-12del (NM_001407014.1); c.344-12del (NM_001145102.2, NM_001407016.1); c.212-12del (NM_001407015.1); c.74-12del (NM_001145104.2, NM_001407017.1).
Identifiers: ClinVar variation 2731429 (VCV002731429.4), dbSNP rs2505282696, ClinGen allele CA2575767983.